The following is an entry in ClinVar:

NM_000123.4(ERCC5):c.2333T>C (p.Leu778Pro)

Genes: BIVM-ERCC5 (BIVM-ERCC5 readthrough; plus strand), ERCC5 (ERCC excision repair 5, endonuclease; plus strand), LOC126861834 (BRD4-independent group 4 enhancer GRCh37_chr13:103518038-103519237; plus strand). Cytogenetic location: 13q33.1.
Variant type: single nucleotide variant.
Coding change: c.2333T>C on transcript NM_000123.4 (MANE Select); coding-DNA position 2333, T replaced by C.
Protein change: p.Leu778Pro; replaces leucine 778 with proline.
Molecular consequence: missense variant.
Genome position (GRCh38, 1-based): chr13:102,866,645, T>C. VCF-style: chr13-102866645-T-C. GRCh37 (hg19) VCF-style: chr13-103518995-T-C.
Other names: c.3695T>C, p.Leu1232Pro (NM_001204425.2); short protein forms L1232P, L778P.
Identifiers: ClinVar variation 3768238 (VCV003768238.1).
Genomic context (GRCh38, chr13:102,866,645, plus strand): 5'-TGGCGGTGCCCTTCCCTGGGCGTCACTGTGTACCCCTCACTCTGCAGGAACTCCTGCGCC[T>C]GTTCGGCATTCCCTACATCCAGGCTCCCATGGAAGCAGAGGCGCAGTGCGCCATCCTGGA-3'
Protein context (NP_000114.3, residues 768-788): MFLESQELLR[Leu778Pro]FGIPYIQAPM

ClinVar aggregate classification (germline): Likely pathogenic (1 of 4 stars; one submission).

Conditions:
Xeroderma pigmentosum (XP). Identifiers: Orphanet 910, MedGen C0043346, MONDO:0019600.

gnomAD v4.1: 3 of 1,613,522 alleles (0.00019%); highest among the groups gnomAD compares: East Asian, 0.0022%; no homozygotes.

Submission:

Women's Health and Genetics/Laboratory Corporation of America, LabCorp
Classification: Likely pathogenic for Xeroderma pigmentosum. Last evaluated: 2024-12-05. Review status: criteria provided, single submitter. Criteria: LabCorp Variant Classification Summary - May 2015. Collection method: clinical testing. Allele origin: germline.
Comment: Variant summary: ERCC5 c.2333T>C (p.Leu778Pro) results in a non-conservative amino acid change in the encoded protein sequence. Four of four in-silico tools predict a damaging effect of the variant on protein function. The variant allele was found at a frequency of 4e-06 in 250518 control chromosomes. c.2333T>C has been reported in the literature in individuals affected with Xeroderma Pigmentosum (examples: Chikhaoui_2019, Schafer_2013). These data indicate that the variant is likely to be associated with disease. At least one publication reported in a host cell reactivation assay this variant retained some nucleotide excision repair capability (Schafer_2013). The following publications have been ascertained in the context of this evaluation (PMID: 30838033, 23370536). No submitters have cited clinical-significance assessments for this variant to ClinVar. Based on the evidence outlined above, the variant was classified as likely pathogenic.

Literature cited by the submitters: PubMed 30838033; PubMed 23370536.